The following is an entry in ClinVar:

NM_001009944.3(PKD1):c.12664del (p.Leu4222fs)

Gene: PKD1 (polycystin 1, transient receptor potential channel interacting; minus strand). Cytogenetic location: 16p13.3.
Variant type: Deletion.
Coding change: c.12664del on transcript NM_001009944.3 (MANE Select); coding-DNA position 12664, one base deleted (C; older notation c.12664delC).
Protein change: p.Leu4222fs; shifts the reading frame from leucine 4222.
Molecular consequence: frameshift variant.
Genome position (GRCh38, 1-based): chr16:2,089,975, G deleted on the plus strand (C on the coding strand, the reverse complement: PKD1 is on the minus strand); the first of 3 consecutive G bases (chr16:2,089,975-2,089,977); deleting any one gives the same sequence. VCF-style (leftmost placement, unchanged base first): chr16-2089974-AG-A. GRCh37 (hg19) VCF-style: chr16-2139975-AG-A.
Other names: c.12661del, p.Leu4221fs (NM_000296.4); short protein forms L4221fs, L4222fs.
Identifiers: ClinVar variation 5038187 (VCV005038187.1).
Genomic context (GRCh38, chr16:2,089,974, plus strand): 5'-TGCTGCTCCAGCTGGTAGACGTCCTCTGTGGCCTGGTTGAGTCGGTCAAACTGGGTGAGC[AG>A]GGCCTCGAACACGGCTTGGAGGCGGGAGGGCTCAGGCTCACACCTTGTCCCCAGCCGGCC-3'

ClinVar aggregate classification (germline): Pathogenic (1 of 4 stars; one submission).

Conditions:
Polycystic kidney disease, adult type (PKD1). Also called: Polycystic Kidney Disease 1, Autosomal Dominant; POLYCYSTIC KIDNEY DISEASE, ADULT, TYPE I; Polycystic kidney disease 1; Polycystic kidney disease 1, severe; POLYCYSTIC KIDNEY DISEASE 1 WITH OR WITHOUT POLYCYSTIC LIVER DISEASE; Polycystic Kidney, Autosomal Dominant. Identifiers: MedGen C3149841, MONDO:0008263, OMIM 173900.

Submission:

MVZ Medizinische Genetik Mainz
Classification: Pathogenic for Polycystic kidney disease, adult type. Last evaluated: 2025-12-04. Review status: criteria provided, single submitter. Criteria: UK Practice Guidelines For Variant Classification V4 01 2020. Collection method: clinical testing. Allele origin: germline. Inheritance: Autosomal dominant inheritance. Affected: yes. Observed: 1 variant allele.
Comment: ACMG Criteria: PVS1,PM2_SUP,PP4